The following is an entry in ClinVar:

ClinVar aggregate classification (germline): Likely benign. Review status: criteria provided, multiple submitters, no conflicts (2 of 4 stars). 2 submissions from 2 submitters: Likely benign (2). Last evaluated 2025-10-01.

Conditions:
KPNA7-related disorder. Also called: KPNA7-related condition.

Allele frequency attached by ClinVar (database versions not stated): gnomAD 0.00007 and 0.00012; gnomAD exomes 0.00010 and 0.00015; TOPMed 0.00010; 1000 Genomes Project 30x 0.00016; 1000 Genomes Project 0.00020; ExAC 0.00038.
gnomAD v4.1: 162 of 1,551,530 alleles (0.01%); highest among the groups gnomAD compares: South Asian, 0.083%; 1 homozygote.

Submissions (2):

Labcorp Genetics (formerly Invitae), Labcorp
Classification: Likely benign. Last evaluated: 2025-10-01. Review status: criteria provided, single submitter. Criteria: Invitae Variant Classification Sherloc (09022015). Collection method: clinical testing. Allele origin: germline.

PreventionGenetics, part of Exact Sciences
Classification: Likely benign for KPNA7-related condition. Last evaluated: 2025-01-10. Review status: criteria provided, single submitter. Criteria: ACMG Guidelines, 2015. Collection method: clinical testing. Allele origin: germline.
Comment: This variant is classified as likely benign based on ACMG/AMP sequence variant interpretation guidelines (Richards et al. 2015 PMID: 25741868, with internal and published modifications).

NM_001145715.3(KPNA7):c.453C>T (p.Ala151=)

Gene: KPNA7 (karyopherin subunit alpha 7; minus strand). Cytogenetic location: 7q22.1.
Variant type: single nucleotide variant.
Coding change: c.453C>T on transcript NM_001145715.3 (MANE Select); coding-DNA position 453, C replaced by T.
Protein change: p.Ala151=; no amino-acid change (alanine 151 retained).
Molecular consequence: synonymous variant.
Genome position (GRCh38, 1-based): chr7:99,195,170, G>A on the plus strand (C>T on the coding strand, the complement: KPNA7 is on the minus strand). VCF-style: chr7-99195170-G-A. GRCh37 (hg19) VCF-style: chr7-98792793-G-A.
Other names: c.453C>T (NM_001145715.2).
Identifiers: ClinVar variation 1615895 (VCV001615895.9), dbSNP rs542857838, ClinGen allele CA4363250.
Genomic context (GRCh38, chr7:99,195,170, plus strand): 5'-AGCCACGTTGGAGGAAGACAGGAGCTCAATCAAGGGCTGGATGGCTCCCCCTTCTACCAC[G>A]GCACGAGTCTGCTCCGAAGTCCCTGAAGCGATGTTGGTCAGGGCCCAGGCAGCCTCAAAC-3'
Protein context (NP_001139187.1, residues 141-161): IASGTSEQTR[Ala151=]VVEGGAIQPL